The following is an entry in ClinVar:

NM_000257.4(MYH7):c.5639G>A (p.Arg1880His)

Gene: MYH7 (myosin heavy chain 7; minus strand). Cytogenetic location: 14q11.2.
Variant type: single nucleotide variant.
Coding change: c.5639G>A on transcript NM_000257.4 (MANE Select); coding-DNA position 5639, G replaced by A.
Protein change: p.Arg1880His; replaces arginine 1880 with histidine.
Molecular consequence: missense variant.
Genome position (GRCh38, 1-based): chr14:23,414,023, C>T on the plus strand (G>A on the coding strand, the complement: MYH7 is on the minus strand). VCF-style: chr14-23414023-C-T. GRCh37 (hg19) VCF-style: chr14-23883232-C-T.
Other names: p.Arg1880His; c.5639G>A (NM_000257.2); short protein forms R1880H.
Identifiers: ClinVar variation 919599 (VCV000919599.16), dbSNP rs867477685, ClinGen allele CA257807907.

ClinVar aggregate classification (germline): Uncertain significance. Review status: criteria provided, multiple submitters, no conflicts (2 of 4 stars). 7 submissions from 7 submitters: Uncertain significance (7). Last evaluated 2026-04-30.

Conditions:
Cardiovascular phenotype. Identifiers: MedGen CN230736.
Cardiomyopathy (CMYO). Also called: Cardiomyopathies. Identifiers: Orphanet 167848, MedGen C0878544, MONDO:0004994, HP:0001638. Inheritance: Various modes of inheritance.
Hypertrophic cardiomyopathy 1 (CMH1). Also called: Familial hypertrophic cardiomyopathy 1; MYH7-Related Familial Hypertrophic Cardiomyopathy. Identifiers: MedGen C3495498, MONDO:0008647, OMIM 192600.
Dilated cardiomyopathy 1S (CMD1S). Identifiers: Orphanet 154, Orphanet 54260, MedGen C1834481, MONDO:0013262, OMIM 613426.
Hypertrophic cardiomyopathy. Also called: HYPERTROPHIC MYOCARDIOPATHY. Identifiers: Orphanet 217569, MedGen C0007194, MeSH D002312, MONDO:0005045, HP:0001639.

Allele frequency attached by ClinVar (database versions not stated): TOPMed 0.00002; gnomAD 0.00001.

Submissions (7):

Ambry Genetics
Classification: Uncertain significance for Cardiovascular phenotype. Last evaluated: 2026-04-30. Review status: criteria provided, single submitter. Criteria: Ambry Variant Classification Scheme 2023. Collection method: clinical testing. Allele origin: germline.
Comment: The p.R1880H variant (also known as c.5639G>A), located in coding exon 36 of the MYH7 gene, results from a G to A substitution at nucleotide position 5639. The arginine at codon 1880 is replaced by histidine, an amino acid with highly similar properties. This variant was reported in an individual with hypertrophic cardiomyopathy who also had a mutation in the MYBPC3 gene (Jaafar N et al. Genet Test Mol Biomarkers, 2016 Nov;20:674-679). This amino acid position is highly conserved in available vertebrate species. In addition, the in silico prediction for this alteration is inconclusive. Based on the available evidence, the clinical significance of this variant remains unclear.

Mayo Clinic Laboratories, Mayo Clinic
Classification: Uncertain significance. Last evaluated: 2025-01-02. Review status: criteria provided, single submitter. Criteria: ACMG Guidelines, 2015. Collection method: clinical testing. Allele origin: germline. Observed: 1 variant allele.
Comment: PP3

All of Us Research Program, National Institutes of Health
Classification: Uncertain significance for Cardiomyopathy. Last evaluated: 2024-08-06. Review status: criteria provided, single submitter. Criteria: ACMG Guidelines, 2015. Collection method: clinical testing. Allele origin: germline. Inheritance: Autosomal dominant inheritance. Observed: 3 variant alleles, 3 heterozygotes.
Comment: This missense variant replaces arginine with histidine at codon 1880 of the MYH7 protein. Computational prediction is inconclusive regarding the impact of this variant on protein structure and function (internally defined REVEL score threshold 0.5 < inconclusive < 0.7, PMID: 27666373). To our knowledge, functional studies have not been reported for this variant. This variant has been reported in an individual affected with hypertrophic cardiomyopathy, who also carried a pathogenic variant in the MYBPC3 gene (PMID: 27574918). This variant has not been identified in the general population by the Genome Aggregation Database (gnomAD). The available evidence is insufficient to determine the role of this variant in disease conclusively. Therefore, this variant is classified as a Variant of Uncertain Significance.

This study involves interpretation of variants in research participants for the purpose of population health screening. Participant phenotype was not available at the time of variant classification. Additional details can be found in publication PMID: 35346344, PMCID: PMC8962531

Labcorp Genetics (formerly Invitae), Labcorp
Classification: Uncertain significance for Hypertrophic cardiomyopathy. Last evaluated: 2023-07-12. Review status: criteria provided, single submitter. Criteria: Invitae Variant Classification Sherloc (09022015). Collection method: clinical testing. Allele origin: germline.
Comment: Advanced modeling of protein sequence and biophysical properties (such as structural, functional, and spatial information, amino acid conservation, physicochemical variation, residue mobility, and thermodynamic stability) performed at Invitae indicates that this missense variant is expected to disrupt MYH7 protein function. In summary, the available evidence is currently insufficient to determine the role of this variant in disease. Therefore, it has been classified as a Variant of Uncertain Significance. ClinVar contains an entry for this variant (Variation ID: 919599). This missense change has been observed in individual(s) with hypertrophic cardiomyopathy (PMID: 27574918). This variant is not present in population databases (gnomAD no frequency). This sequence change replaces arginine, which is basic and polar, with histidine, which is basic and polar, at codon 1880 of the MYH7 protein (p.Arg1880His).

Color Diagnostics, LLC DBA Color Health
Classification: Uncertain significance for Cardiomyopathy. Last evaluated: 2023-07-06. Review status: criteria provided, single submitter. Criteria: ACMG Guidelines, 2015. Collection method: clinical testing. Allele origin: germline.
Comment: This missense variant replaces arginine with histidine at codon 1880 of the MYH7 protein. Computational prediction is inconclusive regarding the impact of this variant on protein structure and function (internally defined REVEL score threshold 0.5 < inconclusive < 0.7, PMID: 27666373). To our knowledge, functional studies have not been reported for this variant. This variant has been reported in an individual affected with hypertrophic cardiomyopathy, who also carried a pathogenic variant in the MYBPC3 gene (PMID: 27574918). This variant has not been identified in the general population by the Genome Aggregation Database (gnomAD). The available evidence is insufficient to determine the role of this variant in disease conclusively. Therefore, this variant is classified as a Variant of Uncertain Significance.

Institute of Immunology and Genetics Kaiserslautern
Classification: Uncertain significance for Hypertrophic cardiomyopathy 1. Last evaluated: 2022-09-13. Review status: criteria provided, single submitter. Criteria: ACMG Guidelines, 2015. Collection method: clinical testing. Allele origin: germline.
Comment: ACMG Criteria: PM2, PP2, PP3, PP5; Variant was found in heterozygous state.

Victorian Clinical Genetics Services, Murdoch Childrens Research Institute
Classification: Uncertain significance for Dilated cardiomyopathy 1S. Last evaluated: 2020-10-19. Review status: criteria provided, single submitter. Criteria: ACMG Guidelines, 2015. Collection method: clinical testing. Allele origin: germline. Affected: yes.
Comment: Based on the classification scheme VCGS_Germline_v1.1.1, this variant is classified as VUS. Following criteria are met: 0105 - The mechanism of disease for this gene is not clearly established, however, missense variants have been proposed to act in a dominant negative manner (PMID: 24714796). (N) 0108 - This gene is known to be associated with both recessive and dominant disease. Dominant dilated cardiomyopathy is predominantly associated with heterozygous variants and a more severe recessive disease is associated with compound heterozygous truncating and missense variants in this gene (PMID: 29300372). (N) 0200 - Variant is predicted to result in a missense amino acid change from an arginine to a histidine (exon 38). (N) 0251 - Variant is heterozygous. (N) 0302 - Variant is present in gnomAD <0.001 for a dominant condition (1 heterozygote, 0 homozygotes). (P) 0309 - An alternative amino acid change at the same position has been observed in gnomAD (4 heterozygotes, 0 homozygotes). (N) 0502 - Missense variant with conflicting in silico predictions and/or uninformative conservation. (N) 0600 - Variant is located in an annotated domain or motif, (myosin tail domain; PDB). (N) 0708 - Comparable variants (p.Arg1880Gly, p.Arg1880Cys) have been reported as VUS in ClinVar. (N) 0808 - Previous reports of pathogenicity are conflicting. This variant has been identified in two individuals from the Framingham Heart Study, whom had no evidence of cardiovascular disease (PMID: 22958901) and has also been reported in a patient with hypertrophic cardiomyopathy (HCM). This patient with HCM also harbored a pathogenic variant in MYBPC3 and it was suggested they had more severe disease than other patients in the cohort. (PMID: 27574918). (N) 1208 - Inheritance information for this variant is not currently available. (N) Legend: (P) - Pathogenic, (N) - Neutral, (B) - Benign

Literature cited by the submitters: PubMed 27574918 (cited by 6 submitters); PubMed 22958901 (cited by Mayo Clinic Laboratories, Mayo Clinic and Victorian Clinical Genetics Services, Murdoch Childrens Research Institute); PubMed 34542152 (cited by Mayo Clinic Laboratories, Mayo Clinic); PubMed 24714796 (cited by Victorian Clinical Genetics Services, Murdoch Childrens Research Institute); PubMed 29300372 (cited by Victorian Clinical Genetics Services, Murdoch Childrens Research Institute).